The following is an entry in ClinVar:

ClinVar aggregate classification (germline): Uncertain significance (1 of 4 stars; one submission).

Conditions:
Short-rib thoracic dysplasia 14 with polydactyly (SRTD14). Identifiers: Orphanet 397715, MedGen C4225286, MONDO:0014688, OMIM 616546.
Joubert syndrome 23 (JBTS23). Identifiers: Orphanet 475, MedGen C4084822, MONDO:0014664, OMIM 616490.

gnomAD v4.1: 4 of 1,609,422 alleles (0.00025%); highest among the groups gnomAD compares: East Asian, 0.0067%; no homozygotes.

Submission:

Juno Genomics, Hangzhou Juno Genomics, Inc
Classification: Uncertain significance for Joubert syndrome 23; Short-rib thoracic dysplasia 14 with polydactyly. Review status: criteria provided, single submitter. Criteria: ACMG Guidelines, 2015. Collection method: clinical testing. Allele origin: germline.
Comment: Absent from controls (or at extremely low frequency if recessive) in Genome Aggregation Database.;Multiple lines of computational evidence support a deleterious effect on the gene or gene product.

NM_001329943.3(KIAA0586):c.3528-30C>G

Gene: KIAA0586 (KIAA0586; plus strand). Cytogenetic location: 14q23.1.
Variant type: single nucleotide variant.
Coding change: c.3528-30C>G on transcript NM_001329943.3 (MANE Select); 30 bases into the intron before coding-DNA position 3528, C replaced by G.
Molecular consequence: intron variant.
Genome position (GRCh38, 1-based): chr14:58,488,591, C>G. VCF-style: chr14-58488591-C-G. GRCh37 (hg19) VCF-style: chr14-58955309-C-G.
Other names: c.3687-30C>G (NM_001244189.2); c.3483-30C>G (NM_001244190.2); c.3396-30C>G (NM_001244192.2); c.3273-30C>G (NM_001244191.2, NM_001364701.2, NM_001329945.2 and 1 more transcripts); c.3528-30C>G (NM_001329944.2, NM_001329946.2, NM_001329947.2); c.3300-30C>G (NM_014749.5); c.3108-30C>G (NM_001244193.2).
Identifiers: ClinVar variation 5018582 (VCV005018582.2).